The following is an entry in ClinVar:

ClinVar aggregate classification (germline): Uncertain significance (1 of 4 stars; one submission).

Conditions:
Glycogen storage disease due to muscle and heart glycogen synthase deficiency. Also called: GSD 0b; MUSCLE GLYCOGEN SYNTHASE DEFICIENCY. Identifiers: Orphanet 137625, MedGen C1969054, MONDO:0012693, OMIM 611556.

Allele frequency attached by ClinVar (database versions not stated): gnomAD exomes below 0.00001; TOPMed below 0.00001.
gnomAD v4.1: 2 of 1,612,928 alleles (0.00012%); highest among the groups gnomAD compares: Non-Finnish European, 0.00017%; no homozygotes.

Submission:

Labcorp Genetics (formerly Invitae), Labcorp
Classification: Uncertain significance for Glycogen storage disease due to muscle and heart glycogen synthase deficiency. Last evaluated: 2021-06-20. Review status: criteria provided, single submitter. Criteria: Invitae Variant Classification Sherloc (09022015). Collection method: clinical testing. Allele origin: germline.
Comment: Algorithms developed to predict the effect of missense changes on protein structure and function are either unavailable or do not agree on the potential impact of this missense change (SIFT: "Deleterious"; PolyPhen-2: "Possibly Damaging"; Align-GVGD: "Class C0"). In summary, the available evidence is currently insufficient to determine the role of this variant in disease. Therefore, it has been classified as a Variant of Uncertain Significance. This variant has not been reported in the literature in individuals with GYS1-related conditions. This variant is not present in population databases (ExAC no frequency). This sequence change replaces cysteine with tyrosine at codon 137 of the GYS1 protein (p.Cys137Tyr). The cysteine residue is highly conserved and there is a large physicochemical difference between cysteine and tyrosine.

NM_002103.5(GYS1):c.410G>A (p.Cys137Tyr)

Gene: GYS1 (glycogen synthase 1; minus strand). Cytogenetic location: 19q13.33.
Variant type: single nucleotide variant.
Coding change: c.410G>A on transcript NM_002103.5 (MANE Select); coding-DNA position 410, G replaced by A.
Protein change: p.Cys137Tyr; replaces cysteine 137 with tyrosine.
Molecular consequence: missense variant. On other transcripts: non-coding transcript variant (1), intron variant (1).
Genome position (GRCh38, 1-based): chr19:48,987,276, C>T on the plus strand (G>A on the coding strand, the complement: GYS1 is on the minus strand). VCF-style: chr19-48987276-C-T. GRCh37 (hg19) VCF-style: chr19-49490533-C-T.
Other names: c.301-1241G>A (NM_001161587.2); short protein forms C137Y.
Identifiers: ClinVar variation 1443017 (VCV001443017.8), dbSNP rs2038856931, ClinGen allele CA406765962.